The following is an entry in ClinVar:

NM_000091.5(COL4A3):c.388-1G>T

Genes: MFF-DT (MFF divergent transcript; minus strand), COL4A3 (collagen type IV alpha 3 chain; plus strand). Cytogenetic location: 2q36.3.
Variant type: single nucleotide variant.
Coding change: c.388-1G>T on transcript NM_000091.5 (MANE Select); the canonical splice acceptor site of the intron before coding-DNA position 388, G replaced by T.
Molecular consequence: splice acceptor variant.
Genome position (GRCh38, 1-based): chr2:227,246,684, G>T. VCF-style: chr2-227246684-G-T. GRCh37 (hg19) VCF-style: chr2-228111400-G-T.
Identifiers: ClinVar variation 553210 (VCV000553210.12), dbSNP rs1553750900, ClinGen allele CA350861750.
Genomic context (GRCh38, chr2:227,246,684, plus strand): 5'-ATATCTGAATAGGCTCTTCTAGAACAACTAAGAATAATAAGAAACTTTGTATGTCTTTTA[G>T]GGTGAGCAGGGGTTTCCAGGACTCCCAGGGACACTGGGCTACCCAGGGATCCCGGTAGGT-3'

ClinVar aggregate classification (germline): Likely pathogenic. Review status: criteria provided, multiple submitters, no conflicts (2 of 4 stars). 3 submissions from 3 submitters: Likely pathogenic (2). 1 of the submissions does not count toward it. Last evaluated 2024-05-23.

Conditions:
Autosomal dominant Alport syndrome (ATS3A). Also called: Alport syndrome dominant type; Renal failure and sensorineural hearing loss; ALPORT SYNDROME 3A, AUTOSOMAL DOMINANT. Identifiers: Orphanet 63, Orphanet 88918, MedGen C5882663, MONDO:0007086, OMIM 104200.
Hematuria, benign familial, 2 (BFH2). Identifiers: MedGen C5830421, MONDO:0958186, OMIM 620320.
Alport syndrome 3b, autosomal recessive. Identifiers: MedGen C5882699, MONDO:0957811, OMIM 620536.
Autosomal recessive Alport syndrome (ATS2). Also called: COL4A4 Alport Syndrome and Thin Basement Membrane Nephropathy; COL4A3-Related Nephropathy; ALPORT SYNDROME 2, AUTOSOMAL RECESSIVE; Alport syndrome type 2. Identifiers: Orphanet 63, Orphanet 88919, MedGen C4746745, MONDO:0008762, OMIM 203780.

Allele frequency attached by ClinVar (database versions not stated): gnomAD exomes below 0.00001.
gnomAD v4.1: 1 of 1,610,682 alleles (0.000062%); highest among the groups gnomAD compares: Non-Finnish European, 0.000085%; no homozygotes.

Submissions (3):

Fulgent Genetics
Classification: Likely pathogenic for Autosomal dominant Alport syndrome; Hematuria, benign familial, 2; Alport syndrome 3b, autosomal recessive. Last evaluated: 2024-05-23. Review status: criteria provided, single submitter. Criteria: ACMG Guidelines, 2015. Collection method: clinical testing. Allele origin: germline.

Labcorp Genetics (formerly Invitae), Labcorp
Classification: Likely pathogenic. Last evaluated: 2020-10-07. Review status: criteria provided, single submitter. Criteria: Invitae Variant Classification Sherloc (09022015). Collection method: clinical testing. Allele origin: germline.
Comment: This sequence change affects an acceptor splice site in intron 6 of the COL4A3 gene. It is expected to disrupt RNA splicing and likely results in an absent or disrupted protein product. This variant is not present in population databases (ExAC no frequency). This variant has not been reported in the literature in individuals with COL4A3-related conditions. ClinVar contains an entry for this variant (Variation ID: 553210). Algorithms developed to predict the effect of sequence changes on RNA splicing suggest that this variant may disrupt the consensus splice site, but this prediction has not been confirmed by published transcriptional studies. Donor and acceptor splice site variants typically lead to a loss of protein function (PMID: 16199547), and loss-of-function variants in COL4A3 are known to be pathogenic (PMID: 8956999, 24854265, 26809805, 27281700). In summary, the currently available evidence indicates that the variant is pathogenic, but additional data are needed to prove that conclusively. Therefore, this variant has been classified as Likely Pathogenic.

Counsyl
Classification: Likely pathogenic for Autosomal recessive Alport syndrome. Last evaluated: 2017-08-08. Review status: no assertion criteria provided. Collection method: clinical testing. Allele origin: unknown. Not counted in ClinVar's aggregate classification.

Literature cited by the submitters: PubMed 16199547 (cited by Labcorp Genetics (formerly Invitae), Labcorp); PubMed 8956999 (cited by Labcorp Genetics (formerly Invitae), Labcorp); PubMed 24854265 (cited by Labcorp Genetics (formerly Invitae), Labcorp); PubMed 26809805 (cited by Labcorp Genetics (formerly Invitae), Labcorp); PubMed 27281700 (cited by Labcorp Genetics (formerly Invitae), Labcorp).